The following is an entry in ClinVar:

NM_001211.6(BUB1B):c.989T>A (p.Leu330Gln)

Gene: BUB1B (BUB1 mitotic checkpoint serine/threonine kinase B; plus strand). Cytogenetic location: 15q15.1.
Variant type: single nucleotide variant.
Coding change: c.989T>A on transcript NM_001211.6 (MANE Select); coding-DNA position 989, T replaced by A.
Protein change: p.Leu330Gln; replaces leucine 330 with glutamine.
Molecular consequence: missense variant.
Genome position (GRCh38, 1-based): chr15:40,185,573, T>A. VCF-style: chr15-40185573-T-A. GRCh37 (hg19) VCF-style: chr15-40477774-T-A.
Other names: short protein forms L330Q.
Identifiers: ClinVar variation 1768524 (VCV001768524.2), dbSNP rs2542536234, ClinGen allele CA391685083.
Genomic context (GRCh38, chr15:40,185,573, plus strand): 5'-AAAACTATGGTAATTTTAGTTTTCTTCTTCATCTCCAGCCTCGTGGCAATACAGCTTCAC[T>A]GATAGCTGTACCCGCTGTGCTTCCCAGTTTCACTCCATATGTGGAAGAGACTGCACGACA-3'
Protein context (NP_001202.5, residues 320-340): EHRPRGNTAS[Leu330Gln]IAVPAVLPSF

ClinVar aggregate classification (germline): Uncertain significance (1 of 4 stars; one submission).

Conditions:
Inborn genetic diseases. Identifiers: MedGen C0950123, MeSH D030342.

Submission:

Ambry Genetics
Classification: Uncertain significance for Inborn genetic diseases. Last evaluated: 2022-01-09. Review status: criteria provided, single submitter. Criteria: Ambry Variant Classification Scheme 2023. Collection method: clinical testing. Allele origin: germline.
Comment: The p.L330Q variant (also known as c.989T>A), located in coding exon 8 of the BUB1B gene, results from a T to A substitution at nucleotide position 989. The leucine at codon 330 is replaced by glutamine, an amino acid with dissimilar properties. This amino acid position is conserved. In addition, this alteration is predicted to be tolerated by in silico analysis. Since supporting evidence is limited at this time, the clinical significance of this alteration remains unclear.